The following is an entry in ClinVar:

NM_177438.3(DICER1):c.3974A>G (p.His1325Arg)

Gene: DICER1 (dicer 1, ribonuclease III; minus strand). Cytogenetic location: 14q32.13.
Variant type: single nucleotide variant.
Coding change: c.3974A>G on transcript NM_177438.3 (MANE Select); coding-DNA position 3974, A replaced by G.
Protein change: p.His1325Arg; replaces histidine 1325 with arginine.
Molecular consequence: missense variant. On other transcripts: non-coding transcript variant (6).
Genome position (GRCh38, 1-based): chr14:95,103,422, T>C on the plus strand (A>G on the coding strand, the complement: DICER1 is on the minus strand). VCF-style: chr14-95103422-T-C. GRCh37 (hg19) VCF-style: chr14-95569759-T-C.
Other names: c.3974A>G, p.His1325Arg (NM_001395677.1, NM_001395678.1, NM_001395679.1 and 13 more transcripts); c.3692A>G, p.His1231Arg (NM_001395686.1); c.3569A>G, p.His1190Arg (NM_001395687.1, NM_001395688.1, NM_001395689.1 and 2 more transcripts); c.3407A>G, p.His1136Arg (NM_001395691.1); c.2291A>G, p.His764Arg (NM_001395697.1); short protein forms H1231R, H1136R, H764R, H1190R, H1325R.
Identifiers: ClinVar variation 2709859 (VCV002709859.3), dbSNP rs2139955233, ClinGen allele CA390873044.

ClinVar aggregate classification (germline): Uncertain significance (1 of 4 stars; one submission).

Conditions:
DICER1-related tumor predisposition. Also called: DICER1 syndrome; DICER1-related pleuropulmonary blastoma cancer predisposition syndrome. Identifiers: Orphanet 284343, MedGen C3839822, MONDO:0100216.

Submission:

Labcorp Genetics (formerly Invitae), Labcorp
Classification: Uncertain significance for DICER1-related tumor predisposition. Last evaluated: 2024-01-17. Review status: criteria provided, single submitter. Criteria: Invitae Variant Classification Sherloc (09022015). Collection method: clinical testing. Allele origin: germline.
Comment: This sequence change replaces histidine, which is basic and polar, with arginine, which is basic and polar, at codon 1325 of the DICER1 protein (p.His1325Arg). This variant is not present in population databases (gnomAD no frequency). This variant has not been reported in the literature in individuals affected with DICER1-related conditions. Advanced modeling of protein sequence and biophysical properties (such as structural, functional, and spatial information, amino acid conservation, physicochemical variation, residue mobility, and thermodynamic stability) performed at Invitae indicates that this missense variant is expected to disrupt DICER1 protein function with a positive predictive value of 80%. In summary, the available evidence is currently insufficient to determine the role of this variant in disease. Therefore, it has been classified as a Variant of Uncertain Significance.